The following is an entry in ClinVar:

NM_138694.4(PKHD1):c.12163G>A (p.Gly4055Arg)

Gene: PKHD1 (PKHD1 ciliary IPT domain containing fibrocystin/polyductin; minus strand). Cytogenetic location: 6p12.3.
Variant type: single nucleotide variant.
Coding change: c.12163G>A on transcript NM_138694.4 (MANE Select); coding-DNA position 12163, G replaced by A.
Protein change: p.Gly4055Arg; replaces glycine 4055 with arginine.
Molecular consequence: missense variant.
Genome position (GRCh38, 1-based): chr6:51,619,143, C>T on the plus strand (G>A on the coding strand, the complement: PKHD1 is on the minus strand). VCF-style: chr6-51619143-C-T. GRCh37 (hg19) VCF-style: chr6-51483941-C-T.
Other names: c.12163G>A (NM_138694.3); short protein forms G4055R.
Identifiers: ClinVar variation 596037 (VCV000596037.9), dbSNP rs778545068, ClinGen allele CA3850605.

ClinVar aggregate classification (germline): Uncertain significance. Review status: criteria provided, multiple submitters, no conflicts (2 of 4 stars). 4 submissions from 4 submitters: Uncertain significance (3). 1 of the submissions does not count toward it. Last evaluated 2022-02-01.

Conditions:
PKHD1-related disorder. Also called: PKHD1-related condition.
Polycystic kidney disease 4 (PKD4). Also called: POLYCYSTIC KIDNEY DISEASE 4 WITH OR WITHOUT POLYCYSTIC LIVER DISEASE; PKD3; POLYCYSTIC KIDNEY AND HEPATIC DISEASE 1; POLYCYSTIC KIDNEY DISEASE, INFANTILE, TYPE I; Autosomal Recessive Polycystic Kidney Disease – PKHD1. Identifiers: MedGen C4540575, MONDO:0033004, OMIM 263200.

Allele frequency attached by ClinVar (database versions not stated): gnomAD exomes 0.00001; TOPMed 0.00001; ExAC 0.00002.
gnomAD v4.1: 8 of 1,614,230 alleles (0.0005%); highest among the groups gnomAD compares: Admixed American, 0.005%; no homozygotes.

Submissions (4):

Fulgent Genetics
Classification: Uncertain significance for Polycystic kidney disease 4. Last evaluated: 2022-02-01. Review status: criteria provided, single submitter. Criteria: ACMG Guidelines, 2015. Collection method: clinical testing. Allele origin: unknown.

Genome-Nilou Lab
Classification: Uncertain significance for Polycystic kidney disease 4. Last evaluated: 2021-05-18. Review status: criteria provided, single submitter. Criteria: ACMG Guidelines, 2015. Collection method: clinical testing. Allele origin: germline. Affected: no.

Eurofins Ntd Llc (ga)
Classification: Uncertain significance. Last evaluated: 2018-02-06. Review status: criteria provided, single submitter. Criteria: EGL Classification Definitions 2015. Collection method: clinical testing. Allele origin: germline. Observed: 1 variant allele, 1 heterozygote.

PreventionGenetics, part of Exact Sciences
Classification: Uncertain significance for PKHD1-related condition. Last evaluated: 2024-09-16. Review status: no assertion criteria provided. Collection method: clinical testing. Allele origin: germline. Not counted in ClinVar's aggregate classification.
Comment: The PKHD1 c.12163G>A variant is predicted to result in the amino acid substitution p.Gly4055Arg. To our knowledge, this variant has not been reported in the literature. This variant is reported in 0.0087% of alleles in individuals of Latino descent in gnomAD. At this time, the clinical significance of this variant is uncertain due to the absence of conclusive functional and genetic evidence.